The following is an entry in ClinVar:

NM_005633.4(SOS1):c.3583C>T (p.Arg1195Ter)

Gene: SOS1 (SOS Ras/Rac guanine nucleotide exchange factor 1; minus strand). Cytogenetic location: 2p22.1.
Variant type: single nucleotide variant.
Coding change: c.3583C>T on transcript NM_005633.4 (MANE Select); coding-DNA position 3583, C replaced by T.
Protein change: p.Arg1195Ter; replaces arginine 1195 with a stop codon.
Molecular consequence: nonsense.
Genome position (GRCh38, 1-based): chr2:38,986,243, G>A on the plus strand (C>T on the coding strand, the complement: SOS1 is on the minus strand). VCF-style: chr2-38986243-G-A. GRCh37 (hg19) VCF-style: chr2-39213384-G-A.
Other names: c.3562C>T, p.Arg1188Ter (NM_001382394.1); c.3538C>T, p.Arg1180Ter (NM_001382395.1); short protein forms R1180*, R1188*, R1195*.
Identifiers: ClinVar variation 1732914 (VCV001732914.2), dbSNP rs914957553, ClinGen allele CA45674310.

ClinVar aggregate classification (germline): Uncertain significance (1 of 4 stars; one submission).

Conditions:
Cardiovascular phenotype. Identifiers: MedGen CN230736.

Allele frequency attached by ClinVar (database versions not stated): gnomAD exomes below 0.00001.
gnomAD v4.1: 2 of 1,613,796 alleles (0.00012%); highest among the groups gnomAD compares: South Asian, 0.0011%; no homozygotes.

Submission:

Ambry Genetics
Classification: Uncertain significance for Cardiovascular phenotype. Last evaluated: 2020-10-29. Review status: criteria provided, single submitter. Criteria: Ambry Variant Classification Scheme 2023. Collection method: clinical testing. Allele origin: germline.
Comment: The p.R1195* variant (also known as c.3583C>T), located in coding exon 23 of the SOS1 gene, results from a C to T substitution at nucleotide position 3583. This changes the amino acid from an arginine to a stop codon within coding exon 23. This alteration occurs at the 3' terminus of theSOS1 gene, is not expected to trigger nonsense-mediated mRNAdecay, and impacts the last 139 amino acids of the protein. The exact functional effect of this alteration is unknown. Additionally, loss of function of SOS1 has not been clearly established as a mechanism of disease. Since supporting evidence is limited at this time, the clinical significance of this alteration remains unclear.